The following is an entry in ClinVar:

NM_001372106.1(DNAH10):c.7358T>A (p.Leu2453His)

Gene: DNAH10 (dynein axonemal heavy chain 10; plus strand). Cytogenetic location: 12q24.31.
Variant type: single nucleotide variant.
Coding change: c.7358T>A on transcript NM_001372106.1 (MANE Select); coding-DNA position 7358, T replaced by A.
Protein change: p.Leu2453His; replaces leucine 2453 with histidine.
Molecular consequence: missense variant.
Genome position (GRCh38, 1-based): chr12:123,867,958, T>A. VCF-style: chr12-123867958-T-A. GRCh37 (hg19) VCF-style: chr12-124352505-T-A.
Other names: c.7004T>A, p.Leu2335His (NM_207437.3); short protein forms L2335H, L2453H.
Identifiers: ClinVar variation 3344298 (VCV003344298.1).

ClinVar aggregate classification (germline): Benign (0 of 4 stars; one submission).

Conditions:
DNAH10-related disorder. Also called: DNAH10-related condition.

gnomAD v4.1: 13,451 of 1,613,856 alleles (0.83%); highest among the groups gnomAD compares: African/African-American, 11%; 517 homozygotes.

Submission:

PreventionGenetics, part of Exact Sciences
Classification: Benign for DNAH10-related condition. Last evaluated: 2024-05-16. Review status: no assertion criteria provided. Collection method: clinical testing. Allele origin: germline.
Comment: This variant is classified as benign based on ACMG/AMP sequence variant interpretation guidelines (Richards et al. 2015 PMID: 25741868, with internal and published modifications).